The following is an entry in ClinVar:

NM_006648.4(WNK2):c.5542T>C (p.Ser1848Pro)

Gene: WNK2 (WNK lysine deficient protein kinase 2; plus strand). Cytogenetic location: 9q22.31.
Variant type: single nucleotide variant.
Coding change: c.5542T>C on transcript NM_006648.4 (MANE Select); coding-DNA position 5542, T replaced by C.
Protein change: p.Ser1848Pro; replaces serine 1848 with proline.
Molecular consequence: missense variant.
Genome position (GRCh38, 1-based): chr9:93,293,007, T>C. VCF-style: chr9-93293007-T-C. GRCh37 (hg19) VCF-style: chr9-96055289-T-C.
Other names: c.5653T>C, p.Ser1885Pro (NM_001282394.3); short protein forms S1848P, S1885P.
Identifiers: ClinVar variation 3981871 (VCV003981871.1).
Genomic context (GRCh38, chr9:93,293,007, plus strand): 5'-GTGAGTGGCAGCGTGGCTGGCGACTTCGTGAAGAAGGCCACCGCCTTCCTGCAGAGGCCT[T>C]CTCGGGCCGGCTCGCTGGGCCCCGAGACACCCAGCAGGGTGGGCATGAAGGTCCCCACGA-3'
Protein context (NP_006639.3, residues 1838-1858): KKATAFLQRP[Ser1848Pro]RAGSLGPETP

ClinVar aggregate classification (germline): Uncertain significance (1 of 4 stars; one submission).

Submission:

Ambry Genetics
Classification: Uncertain significance. Last evaluated: 2025-04-13. Review status: criteria provided, single submitter. Criteria: Ambry Variant Classification Scheme 2023. Collection method: clinical testing. Allele origin: germline.
Comment: The p.S1848P variant (also known as c.5542T>C), located in coding exon 22 of the WNK2 gene, results from a T to C substitution at nucleotide position 5542. The serine at codon 1848 is replaced by proline, an amino acid with similar properties. This amino acid position is conserved. In addition, this alteration is predicted to be tolerated by in silico analysis. Based on the available evidence, the clinical significance of this variant remains unclear.